The following is an entry in ClinVar:

NM_001408.3(CELSR2):c.3983G>A (p.Arg1328His)

Gene: CELSR2 (cadherin EGF LAG seven-pass G-type receptor 2; plus strand). Cytogenetic location: 1p13.3.
Variant type: single nucleotide variant.
Coding change: c.3983G>A on transcript NM_001408.3 (MANE Select); coding-DNA position 3983, G replaced by A.
Protein change: p.Arg1328His; replaces arginine 1328 with histidine.
Molecular consequence: missense variant.
Genome position (GRCh38, 1-based): chr1:109,261,066, G>A. VCF-style: chr1-109261066-G-A. GRCh37 (hg19) VCF-style: chr1-109803688-G-A.
Other names: c.3983G>A (NM_001408.2); short protein forms R1328H.
Identifiers: ClinVar variation 1505191 (VCV001505191.7), dbSNP rs755733592, ClinGen allele CA987092.

ClinVar aggregate classification (germline): Uncertain significance. Review status: criteria provided, multiple submitters, no conflicts (2 of 4 stars). 2 submissions from 2 submitters: Uncertain significance (2). Last evaluated 2025-08-08.

Allele frequency attached by ClinVar (database versions not stated): ExAC 0.00003; gnomAD exomes 0.00005; gnomAD 0.00007 and 0.00008; TOPMed 0.00008.
gnomAD v4.1: 88 of 1,613,324 alleles (0.0055%); highest among the groups gnomAD compares: African/African-American, 0.02%; no homozygotes.

Submissions (2):

Ambry Genetics
Classification: Uncertain significance. Last evaluated: 2025-08-08. Review status: criteria provided, single submitter. Criteria: Ambry Variant Classification Scheme 2023. Collection method: clinical testing. Allele origin: germline.

Labcorp Genetics (formerly Invitae), Labcorp
Classification: Uncertain significance. Last evaluated: 2021-10-22. Review status: criteria provided, single submitter. Criteria: Invitae Variant Classification Sherloc (09022015). Collection method: clinical testing. Allele origin: germline.
Comment: In summary, the available evidence is currently insufficient to determine the role of this variant in disease. Therefore, it has been classified as a Variant of Uncertain Significance. Algorithms developed to predict the effect of missense changes on protein structure and function (SIFT, PolyPhen-2, Align-GVGD) all suggest that this variant is likely to be tolerated. This variant has not been reported in the literature in individuals affected with CELSR2-related conditions. This variant is present in population databases (rs755733592, gnomAD 0.02%). This sequence change replaces arginine, which is basic and polar, with histidine, which is basic and polar, at codon 1328 of the CELSR2 protein (p.Arg1328His).